The following is an entry in ClinVar:

ClinVar aggregate classification (germline): Uncertain significance (1 of 4 stars; one submission).

Conditions:
Arrhythmogenic cardiomyopathy with wooly hair and keratoderma. Also called: Arrhythmogenic cardiomyopathy with woolly hair and keratoderma; Carvajal syndrome; Dilated cardiomyopathy with woolly hair and keratoderma; PALMOPLANTAR KERATODERMA WITH LEFT VENTRICULAR CARDIOMYOPATHY AND WOOLLY HAIR. Identifiers: Orphanet 65282, MedGen C1854063, MONDO:0011581, OMIM 605676.
Arrhythmogenic right ventricular dysplasia 8 (ARVD8). Also called: ARRHYTHMOGENIC RIGHT VENTRICULAR DYSPLASIA, FAMILIAL, 8; Arrhythmogenic Right Ventricular Dysplasia/Cardiomyopathy 8; ARRHYTHMOGENIC RIGHT VENTRICULAR CARDIOMYOPATHY 8. Identifiers: MedGen C1843896, MONDO:0011831, OMIM 607450.

Submission:

Labcorp Genetics (formerly Invitae), Labcorp
Classification: Uncertain significance for Arrhythmogenic cardiomyopathy with wooly hair and keratoderma; Arrhythmogenic right ventricular dysplasia 8. Last evaluated: 2022-07-06. Review status: criteria provided, single submitter. Criteria: Invitae Variant Classification Sherloc (09022015). Collection method: clinical testing. Allele origin: germline.
Comment: In summary, the available evidence is currently insufficient to determine the role of this variant in disease. Therefore, it has been classified as a Variant of Uncertain Significance. Algorithms developed to predict the effect of missense changes on protein structure and function are either unavailable or do not agree on the potential impact of this missense change (SIFT: "Deleterious"; PolyPhen-2: "Benign"; Align-GVGD: "Class C15"). This variant has not been reported in the literature in individuals affected with DSP-related conditions. This variant is not present in population databases (gnomAD no frequency). This sequence change replaces serine, which is neutral and polar, with cysteine, which is neutral and slightly polar, at codon 1562 of the DSP protein (p.Ser1562Cys).

NM_004415.4(DSP):c.4685C>G (p.Ser1562Cys)

Gene: DSP (desmoplakin; plus strand). Cytogenetic location: 6p24.3.
Variant type: single nucleotide variant.
Coding change: c.4685C>G on transcript NM_004415.4 (MANE Select); coding-DNA position 4685, C replaced by G.
Protein change: p.Ser1562Cys; replaces serine 1562 with cysteine.
Molecular consequence: missense variant. On other transcripts: intron variant (2).
Genome position (GRCh38, 1-based): chr6:7,580,875, C>G. VCF-style: chr6-7580875-C-G. GRCh37 (hg19) VCF-style: chr6-7581108-C-G.
Other names: c.4050+635C>G (NM_001319034.2); c.3582+1103C>G (NM_001008844.3); short protein forms S1562C.
Identifiers: ClinVar variation 2417124 (VCV002417124.5), dbSNP rs1157689024, ClinGen allele CA362686935.
Genomic context (GRCh38, chr6:7,580,875, plus strand): 5'-ATGAAAGGGTTTCCCAGGAGAGGACTGTGAAGGACCAGGATATCACGCGGTTCCAGAACT[C>G]TCTGAAAGAGCTGCAGCTGCAGAAGCAGAAGGTGGAAGAGGAGCTGAATCGGCTGAAGAG-3'
Protein context (NP_004406.2, residues 1552-1572): KDQDITRFQN[Ser1562Cys]LKELQLQKQK